The following is an entry in ClinVar:

NM_003743.5(NCOA1):c.1097+4C>T

Gene: NCOA1 (nuclear receptor coactivator 1; plus strand). Cytogenetic location: 2p23.3.
Variant type: single nucleotide variant.
Coding change: c.1097+4C>T on transcript NM_003743.5 (MANE Select); 4 bases into the intron after coding-DNA position 1097, C replaced by T.
Molecular consequence: intron variant.
Genome position (GRCh38, 1-based): chr2:24,705,237, C>T. VCF-style: chr2-24705237-C-T. GRCh37 (hg19) VCF-style: chr2-24928106-C-T.
Other names: c.1097+4C>T (NM_001362950.1, NM_147223.3, NM_001362955.1 and 3 more transcripts).
Identifiers: ClinVar variation 3358209 (VCV003358209.1).

ClinVar aggregate classification (germline): Likely benign (0 of 4 stars; one submission).

Conditions:
NCOA1-related disorder. Also called: NCOA1-related condition.

gnomAD v4.1: 1 of 1,613,438 alleles (0.000062%); highest among the groups gnomAD compares: African/African-American, 0.0013%; no homozygotes.

Submission:

PreventionGenetics, part of Exact Sciences
Classification: Likely benign for NCOA1-related condition. Last evaluated: 2020-11-20. Review status: no assertion criteria provided. Collection method: clinical testing. Allele origin: germline.
Comment: This variant is classified as likely benign based on ACMG/AMP sequence variant interpretation guidelines (Richards et al. 2015 PMID: 25741868, with internal and published modifications).